The following is an entry in ClinVar:

NM_002439.5(MSH3):c.488T>C (p.Leu163Pro)

Gene: MSH3 (mutS homolog 3; plus strand). Cytogenetic location: 5q14.1.
Variant type: single nucleotide variant.
Coding change: c.488T>C on transcript NM_002439.5 (MANE Select); coding-DNA position 488, T replaced by C.
Protein change: p.Leu163Pro; replaces leucine 163 with proline.
Molecular consequence: missense variant.
Genome position (GRCh38, 1-based): chr5:80,665,272, T>C. VCF-style: chr5-80665272-T-C. GRCh37 (hg19) VCF-style: chr5-79961091-T-C.
Other names: short protein forms L163P.
Identifiers: ClinVar variation 3874970 (VCV003874970.1).

ClinVar aggregate classification (germline): Uncertain significance (1 of 4 stars; one submission).

Conditions:
Hereditary cancer-predisposing syndrome. Also called: Tumor predisposition; Neoplastic Syndromes, Hereditary; Hereditary Cancer Syndrome; Hereditary neoplastic syndrome. Identifiers: Orphanet 140162, MedGen C0027672, MeSH D009386, MONDO:0015356.

Submission:

Ambry Genetics
Classification: Uncertain significance for Hereditary cancer-predisposing syndrome. Last evaluated: 2025-01-28. Review status: criteria provided, single submitter. Criteria: Ambry Variant Classification Scheme 2023. Collection method: clinical testing. Allele origin: germline.
Comment: The p.L163P variant (also known as c.488T>C), located in coding exon 3 of the MSH3 gene, results from a T to C substitution at nucleotide position 488. The leucine at codon 163 is replaced by proline, an amino acid with similar properties. This amino acid position is highly conserved in available vertebrate species. In addition, the in silico prediction for this alteration is inconclusive. Based on the available evidence, the clinical significance of this variant remains unclear.